The following is an entry in ClinVar:

ClinVar aggregate classification (germline): Uncertain significance (1 of 4 stars; one submission).

Conditions:
Band heterotopia of brain. Also called: Band heterotopia. Identifiers: MedGen C4284594, MONDO:0010873, OMIM 600348.

Submission:

Victorian Clinical Genetics Services, Murdoch Childrens Research Institute
Classification: Uncertain significance for Band heterotopia of brain. Last evaluated: 2020-05-21. Review status: criteria provided, single submitter. Criteria: ACMG Guidelines, 2015. Collection method: clinical testing. Allele origin: germline. Inheritance: Autosomal recessive inheritance. Affected: yes.
Comment: Based on the classification scheme VCGS_Germline_v1.1.1, this variant is classified as 3C-VUS. Following criteria are met: 0102 - Loss-of-function is a known mechanism of disease for this gene. (N) 0106 - This gene is known to be associated with autosomal recessive disease. (N) 0200 - Variant is predicted to result in a missense amino acid change from asparagine to serine (exon 9) (N) 0251 - Variant is heterozygous. (N) 0301 - Variant is absent from gnomAD. (P) 0504 - Same amino acid change has been observed in mammals. (B) 0600 - Variant is located in an annotated domain or motif. (N-terminal ß-propeller domain; PMID: 28556411) (N) 0705 - No comparable variants have previous evidence for pathogenicity. (N) 0807 - Variant has not previously been reported in a clinical context. (N) 0905 - No segregation evidence has been identified for this variant. (N) 1007 - No published functional evidence has been identified for this variant. (N) 1208 - Inheritance information for this variant is not currently available. (N) Legend: (P) - Pathogenic, (N) - Neutral, (B) - Benign

Literature cited by the submitters: PubMed 28556411.

NM_004434.3(EML1):c.941A>G (p.Asn314Ser)

Gene: EML1 (EMAP like 1; plus strand). Cytogenetic location: 14q32.2.
Variant type: single nucleotide variant.
Coding change: c.941A>G on transcript NM_004434.3 (MANE Select); coding-DNA position 941, A replaced by G.
Protein change: p.Asn314Ser; replaces asparagine 314 with serine.
Molecular consequence: missense variant.
Genome position (GRCh38, 1-based): chr14:99,900,972, A>G. VCF-style: chr14-99900972-A-G. GRCh37 (hg19) VCF-style: chr14-100367309-A-G.
Other names: c.998A>G, p.Asn333Ser (NM_001008707.2); c.902A>G, p.Asn301Ser (NM_001375411.1); c.941A>G, p.Asn314Ser (NM_001375412.1); short protein forms N301S, N314S, N333S.
Identifiers: ClinVar variation 1805488 (VCV001805488.1), dbSNP rs2548863413, ClinGen allele CA390958869.